The following is an entry in ClinVar:

NM_000260.4(MYO7A):c.5353C>A (p.Pro1785Thr)

Gene: MYO7A (myosin VIIA; plus strand). Cytogenetic location: 11q13.5.
Variant type: single nucleotide variant.
Coding change: c.5353C>A on transcript NM_000260.4 (MANE Select); coding-DNA position 5353, C replaced by A.
Protein change: p.Pro1785Thr; replaces proline 1785 with threonine.
Molecular consequence: missense variant.
Genome position (GRCh38, 1-based): chr11:77,204,102, C>A. VCF-style: chr11-77204102-C-A. GRCh37 (hg19) VCF-style: chr11-76915147-C-A.
Other names: c.5239C>A, p.Pro1747Thr (NM_001127180.2); c.5206C>A, p.Pro1736Thr (NM_001369365.1); short protein forms P1736T, P1747T, P1785T.
Identifiers: ClinVar variation 3619250 (VCV003619250.2).

ClinVar aggregate classification (germline): Uncertain significance (1 of 4 stars; one submission).

gnomAD v4.1: 2 of 1,601,532 alleles (0.00012%); highest among the groups gnomAD compares: Non-Finnish European, 0.00017%; no homozygotes.

Submission:

Labcorp Genetics (formerly Invitae), Labcorp
Classification: Uncertain significance. Last evaluated: 2024-08-31. Review status: criteria provided, single submitter. Criteria: Invitae Variant Classification Sherloc (09022015). Collection method: clinical testing. Allele origin: germline.
Comment: This sequence change replaces proline, which is neutral and non-polar, with threonine, which is neutral and polar, at codon 1785 of the MYO7A protein (p.Pro1785Thr). This variant is not present in population databases (gnomAD no frequency). This variant has not been reported in the literature in individuals affected with MYO7A-related conditions. Invitae Evidence Modeling of protein sequence and biophysical properties (such as structural, functional, and spatial information, amino acid conservation, physicochemical variation, residue mobility, and thermodynamic stability) indicates that this missense variant is expected to disrupt MYO7A protein function with a positive predictive value of 95%. In summary, the available evidence is currently insufficient to determine the role of this variant in disease. Therefore, it has been classified as a Variant of Uncertain Significance.